The following is an entry in ClinVar:

ClinVar aggregate classification (germline): Conflicting classifications of pathogenicity. Review status: criteria provided, conflicting classifications (1 of 4 stars). 4 submissions from 4 submitters: Uncertain significance (2); Likely benign (1). 1 of the submissions does not count toward it. Last evaluated 2026-01-26.

Conditions:
COL9A3-related disorder. Also called: COL9A3-related condition.

Allele frequency attached by ClinVar (database versions not stated): gnomAD 0.00006 and 0.00009; TOPMed 0.00008; gnomAD exomes 0.00010 and 0.00014; 1000 Genomes Project 30x 0.00016; ExAC 0.00016; 1000 Genomes Project 0.00020.
gnomAD v4.1: 153 of 1,611,710 alleles (0.0095%); highest among the groups gnomAD compares: South Asian, 0.08%; 1 homozygote.

Submissions (4):

Labcorp Genetics (formerly Invitae), Labcorp
Classification: Likely benign. Last evaluated: 2026-01-26. Review status: criteria provided, single submitter. Criteria: Invitae Variant Classification Sherloc (09022015). Collection method: clinical testing. Allele origin: germline.

GeneDx
Classification: Uncertain significance. Last evaluated: 2025-08-11. Review status: criteria provided, single submitter. Criteria: GeneDx Variant Classification Process June 2021. Collection method: clinical testing. Allele origin: germline. Affected: yes.
Comment: Has not been previously published as pathogenic or benign to our knowledge; In silico analysis supports that this missense variant does not alter protein structure/function

Blueprint Genetics
Classification: Uncertain significance. Last evaluated: 2024-05-09. Review status: criteria provided, single submitter. Criteria: ACMG Guidelines, 2015. Collection method: clinical testing. Allele origin: germline.

PreventionGenetics, part of Exact Sciences
Classification: Likely benign for COL9A3-related condition. Last evaluated: 2022-01-12. Review status: no assertion criteria provided. Collection method: clinical testing. Allele origin: germline. Not counted in ClinVar's aggregate classification.
Comment: This variant is classified as likely benign based on ACMG/AMP sequence variant interpretation guidelines (Richards et al. 2015 PMID: 25741868, with internal and published modifications).

NM_001853.4(COL9A3):c.1748G>A (p.Arg583His)

Gene: COL9A3 (collagen type IX alpha 3 chain; plus strand). Cytogenetic location: 20q13.33.
Variant type: single nucleotide variant.
Coding change: c.1748G>A on transcript NM_001853.4 (MANE Select); coding-DNA position 1748, G replaced by A.
Protein change: p.Arg583His; replaces arginine 583 with histidine.
Molecular consequence: missense variant.
Genome position (GRCh38, 1-based): chr20:62,837,227, G>A. VCF-style: chr20-62837227-G-A. GRCh37 (hg19) VCF-style: chr20-61468579-G-A.
Other names: short protein forms R583H.
Identifiers: ClinVar variation 1253848 (VCV001253848.16), dbSNP rs201219004, ClinGen allele CA9950179.